The following is an entry in ClinVar:

ClinVar aggregate classification (germline): Likely benign (0 of 4 stars; one submission).

Conditions:
ALMS1-related disorder. Also called: ALMS1-related condition.

Submission:

PreventionGenetics, part of Exact Sciences
Classification: Likely benign for ALMS1-related condition. Last evaluated: 2022-11-04. Review status: no assertion criteria provided. Collection method: clinical testing. Allele origin: germline.
Comment: This variant is classified as likely benign based on ACMG/AMP sequence variant interpretation guidelines (Richards et al. 2015 PMID: 25741868, with internal and published modifications).

NM_001378454.1(ALMS1):c.3384A>G (p.Gly1128=)

Gene: ALMS1 (ALMS1 centrosome and basal body associated protein; plus strand). Cytogenetic location: 2p13.1.
Variant type: single nucleotide variant.
Coding change: c.3384A>G on transcript NM_001378454.1 (MANE Select); coding-DNA position 3384, A replaced by G.
Protein change: p.Gly1128=; no amino-acid change (glycine 1128 retained).
Molecular consequence: synonymous variant.
Genome position (GRCh38, 1-based): chr2:73,449,911, A>G. VCF-style: chr2-73449911-A-G. GRCh37 (hg19) VCF-style: chr2-73677038-A-G.
Other names: c.3387A>G, p.Gly1129= (NM_015120.4).
Identifiers: ClinVar variation 3353997 (VCV003353997.1).
Genomic context (GRCh38, chr2:73,449,911, plus strand): 5'-ACAGACCTTGCCAGAGAGTCATCTGCCTAAAGAGGCTCTGAAAATTTCAGTAGCTCCTGG[A>G]CTAGCAGACCAGAAGACTGGCACACCAACTGTAACCTCAACTTCCTACTCACAACATAGA-3'
Protein context (NP_001365383.1, residues 1118-1138): KEALKISVAP[Gly1128=]LADQKTGTPT